The following is an entry in ClinVar:

NM_000553.6(WRN):c.2437G>A (p.Asp813Asn)

Gene: WRN (WRN RecQ like helicase; plus strand). Cytogenetic location: 8p12.
Variant type: single nucleotide variant.
Coding change: c.2437G>A on transcript NM_000553.6 (MANE Select); coding-DNA position 2437, G replaced by A.
Protein change: p.Asp813Asn; replaces aspartic acid 813 with asparagine.
Molecular consequence: missense variant.
Genome position (GRCh38, 1-based): chr8:31,116,517, G>A. VCF-style: chr8-31116517-G-A. GRCh37 (hg19) VCF-style: chr8-30974033-G-A.
Other names: short protein forms D813N.
Identifiers: ClinVar variation 951679 (VCV000951679.5), dbSNP rs1801529689, ClinGen allele CA370914073.

ClinVar aggregate classification (germline): Uncertain significance (1 of 4 stars; one submission).

Conditions:
Werner syndrome (WRN). Identifiers: Orphanet 902, MedGen C0043119, MONDO:0010196, OMIM 277700.

Submission:

Labcorp Genetics (formerly Invitae), Labcorp
Classification: Uncertain significance for Werner syndrome. Last evaluated: 2019-05-02. Review status: criteria provided, single submitter. Criteria: Invitae Variant Classification Sherloc (09022015). Collection method: clinical testing. Allele origin: germline.
Comment: In summary, the available evidence is currently insufficient to determine the role of this variant in disease. Therefore, it has been classified as a Variant of Uncertain Significance. Algorithms developed to predict the effect of missense changes on protein structure and function are either unavailable or do not agree on the potential impact of this missense change (SIFT: "Deleterious"; PolyPhen-2: "Probably Damaging"; Align-GVGD: "Class C15). This variant has not been reported in the literature in individuals with WRN-related conditions. This variant is not present in population databases (ExAC no frequency). This sequence change replaces aspartic acid with asparagine at codon 813 of the WRN protein (p.Asp813Asn). The aspartic acid residue is highly conserved and there is a small physicochemical difference between aspartic acid and asparagine.